The following is an entry in ClinVar:

NM_030777.4(SLC2A10):c.816C>G (p.Ala272=)

Gene: SLC2A10 (solute carrier family 2 member 10; plus strand). Cytogenetic location: 20q13.12.
Variant type: single nucleotide variant.
Coding change: c.816C>G on transcript NM_030777.4 (MANE Select); coding-DNA position 816, C replaced by G.
Protein change: p.Ala272=; no amino-acid change (alanine 272 retained).
Molecular consequence: synonymous variant.
Genome position (GRCh38, 1-based): chr20:46,725,852, C>G. VCF-style: chr20-46725852-C-G. GRCh37 (hg19) VCF-style: chr20-45354491-C-G.
Other names: p.A272A:GCC>GCG; p.Ala272=.
Identifiers: ClinVar variation 139173 (VCV000139173.63), dbSNP rs148058006, ClinGen allele CA293549.

ClinVar aggregate classification (germline): Conflicting classifications of pathogenicity. Review status: criteria provided, conflicting classifications (1 of 4 stars). 16 submissions from 16 submitters: Uncertain significance (1); Benign (4); Likely benign (10). 1 of the submissions does not count toward it. Last evaluated 2026-03-27.

Conditions:
Familial thoracic aortic aneurysm and aortic dissection (TAAD). Also called: Thoracic aortic aneurysms and dissections. Identifiers: Orphanet 91387, MedGen C4707243, MONDO:0019625.
Arterial tortuosity syndrome (ATORS). Identifiers: Orphanet 3342, MedGen C1859726, MONDO:0008818, OMIM 208050.

Allele frequency attached by ClinVar (database versions not stated): 1000 Genomes Project 30x 0.00031; ESP Exome Variant Server 0.00038; 1000 Genomes Project 0.00040; TOPMed 0.00074; gnomAD 0.00076 and 0.00077.
gnomAD v4.1: 1,972 of 1,614,252 alleles (0.12%); highest among the groups gnomAD compares: Non-Finnish European, 0.15%; 4 homozygotes.

Submissions (16):

Molecular Diagnostic Laboratory for Inherited Cardiovascular Disease, Montreal Heart Institute
Classification: Likely benign. Last evaluated: 2026-03-27. Review status: criteria provided, single submitter. Criteria: ACMG Guidelines, 2015. Collection method: clinical testing. Allele origin: germline. Affected: no.
Comment: BP7

Labcorp Genetics (formerly Invitae), Labcorp
Classification: Benign for Arterial tortuosity syndrome. Last evaluated: 2026-02-04. Review status: criteria provided, single submitter. Criteria: Invitae Variant Classification Sherloc (09022015). Collection method: clinical testing. Allele origin: germline.

Mayo Clinic Laboratories, Mayo Clinic
Classification: Benign. Last evaluated: 2025-01-31. Review status: criteria provided, single submitter. Criteria: ACMG Guidelines, 2015. Collection method: clinical testing. Allele origin: germline. Observed: 3 variant alleles.
Comment: BS1, BS2, BP4, BP7

Women's Health and Genetics/Laboratory Corporation of America, LabCorp
Classification: Likely benign. Last evaluated: 2024-12-17. Review status: criteria provided, single submitter. Criteria: LabCorp Variant Classification Summary - May 2015. Collection method: clinical testing. Allele origin: germline.

Blueprint Genetics
Classification: Likely benign. Last evaluated: 2024-11-06. Review status: criteria provided, single submitter. Criteria: ACMG Guidelines, 2015. Collection method: clinical testing. Allele origin: germline.

CeGaT Center for Human Genetics Tuebingen
Classification: Likely benign. Last evaluated: 2024-09-01. Review status: criteria provided, single submitter. Criteria: CeGaT Center For Human Genetics Tuebingen Variant Classification Criteria Version 2. Collection method: clinical testing. Allele origin: germline. Affected: yes. Observed: 4 variant alleles.
Comment: SLC2A10: BP4, BP7

ARUP Laboratories, Molecular Genetics and Genomics, ARUP Laboratories
Classification: Likely benign for Arterial tortuosity syndrome. Last evaluated: 2024-03-13. Review status: criteria provided, single submitter. Criteria: ARUP Molecular Germline Variant Investigation Process 2024. Collection method: clinical testing. Allele origin: germline.

CHEO Genetics Diagnostic Laboratory, Children's Hospital of Eastern Ontario
Classification: Benign for Familial thoracic aortic aneurysm and aortic dissection. Last evaluated: 2019-01-24. Review status: criteria provided, single submitter. Criteria: ACMG Guidelines, 2015. Collection method: clinical testing. Allele origin: germline.

Illumina Laboratory Services, Illumina
Classification: Uncertain significance for Arterial tortuosity syndrome. Last evaluated: 2018-01-13. Review status: criteria provided, single submitter. Criteria: ICSL Variant Classification Criteria 13 December 2019. Collection method: clinical testing. Allele origin: germline.

Clinical Genetics DNA and cytogenetics Diagnostics Lab, Erasmus MC, Erasmus Medical Center
Classification: Likely benign for Arterial tortuosity syndrome. Last evaluated: 2017-06-28. Review status: criteria provided, single submitter. Criteria: ACGS Guidelines, 2013. Collection method: clinical testing. Allele origin: germline. Affected: yes. Study: VKGL Data-share Consensus.

Genome Diagnostics Laboratory, University Medical Center Utrecht
Classification: Likely benign for Arterial tortuosity syndrome. Last evaluated: 2017-03-17. Review status: criteria provided, single submitter. Criteria: ACGS Guidelines, 2013. Collection method: clinical testing. Allele origin: germline. Affected: yes. Study: VKGL Data-share Consensus.

Laboratory for Molecular Medicine, Mass General Brigham Personalized Medicine
Classification: Likely benign. Last evaluated: 2015-12-11. Review status: criteria provided, single submitter. Criteria: LMM Criteria. Collection method: clinical testing. Allele origin: germline. Observed: 1 variant allele.
Comment: p.Ala272Ala in exon 2 of SLC2A10: This variant is not expected to have clinical significance because it does not alter an amino acid residue and is not located within the splice consensus sequence. It has been identified in 0.1% (88/66668) of European chromosomes by the Exome Aggregation Consortium (ExAC; dbSNP rs148058006).

Ambry Genetics
Classification: Likely benign for Familial thoracic aortic aneurysm and aortic dissection. Last evaluated: 2015-08-16. Review status: criteria provided, single submitter. Criteria: Ambry Variant Classification Scheme 2023. Collection method: clinical testing. Allele origin: germline.

GeneDx
Classification: Benign. Last evaluated: 2014-05-17. Review status: criteria provided, single submitter. Criteria: GeneDx Variant Classification (06012015). Collection method: clinical testing. Allele origin: germline. Affected: yes.
Comment: This variant is considered likely benign or benign based on one or more of the following criteria: it is a conservative change, it occurs at a poorly conserved position in the protein, it is predicted to be benign by multiple in silico algorithms, and/or has population frequency not consistent with disease.

PreventionGenetics, part of Exact Sciences
Classification: Likely benign. Review status: criteria provided, single submitter. Criteria: ACMG Guidelines, 2015. Collection method: clinical testing. Allele origin: germline.

Genome Diagnostics Laboratory, Amsterdam University Medical Center
Classification: Likely benign for Arterial tortuosity syndrome. Last evaluated: 2014-11-19. Review status: no assertion criteria provided. Criteria: ACGS Guidelines, 2013. Collection method: clinical testing. Allele origin: germline. Affected: yes. Study: VKGL Data-share Consensus. Not counted in ClinVar's aggregate classification.